The following is an entry in ClinVar:

ClinVar aggregate classification (germline): Benign/Likely benign. Review status: criteria provided, multiple submitters, no conflicts (2 of 4 stars). 4 submissions from 4 submitters: Benign (1); Likely benign (2). 1 of the submissions does not count toward it. Last evaluated 2026-01-24.

Allele frequency attached by ClinVar (database versions not stated): gnomAD exomes 0.00282; ExAC 0.00324; gnomAD 0.01079 and 0.01153; ESP Exome Variant Server 0.01184; 1000 Genomes Project 0.01198; 1000 Genomes Project 30x 0.01202; TOPMed 0.01226.
gnomAD v4.1: 3,304 of 1,614,058 alleles (0.2%); highest among the groups gnomAD compares: African/African-American, 3.7%; 55 homozygotes.

Submissions (4):

Labcorp Genetics (formerly Invitae), Labcorp
Classification: Benign. Last evaluated: 2026-01-24. Review status: criteria provided, single submitter. Criteria: Invitae Variant Classification Sherloc (09022015). Collection method: clinical testing. Allele origin: germline.

GeneDx
Classification: Likely benign. Last evaluated: 2025-04-23. Review status: criteria provided, single submitter. Criteria: GeneDx Variant Classification Process June 2021. Collection method: clinical testing. Allele origin: germline. Affected: yes.
Comment: See Variant Classification Assertion Criteria.

Breakthrough Genomics
Classification: Likely benign. Review status: criteria provided, single submitter. Criteria: ACMG Guidelines, 2015. Collection method: not provided. Allele origin: germline. Inheritance: Unknown mechanism. Affected: yes.

ITMI
No classification provided. Condition: AllHighlyPenetrant. Last evaluated: 2013-09-19. Review status: no classification provided. Collection method: reference population. Allele origin: germline. Not counted in ClinVar's aggregate classification.
Comment: Please see associated publication for description of ethnicities

Literature cited by the submitters: PubMed 24728327 (cited by ITMI).

NM_016734.3(PAX5):c.451G>A (p.Val151Ile)

Genes: PAX5 (paired box 5; minus strand), LOC105376032 (uncharacterized LOC105376032; plus strand). Cytogenetic location: 9p13.2.
Variant type: single nucleotide variant.
Coding change: c.451G>A on transcript NM_016734.3 (MANE Select); coding-DNA position 451, G replaced by A.
Protein change: p.Val151Ile; replaces valine 151 with isoleucine.
Molecular consequence: missense variant. On other transcripts: non-coding transcript variant (2).
Genome position (GRCh38, 1-based): chr9:37,006,497, C>T on the plus strand (G>A on the coding strand, the complement: PAX5 is on the minus strand). VCF-style: chr9-37006497-C-T. GRCh37 (hg19) VCF-style: chr9-37006494-C-T.
Other names: c.451G>A, p.Val151Ile (NM_001280547.2, NM_001280548.2, NM_001280549.2 and 4 more transcripts); c.127G>A, p.Val43Ile (NM_001280551.2, NM_001280556.2); c.253G>A, p.Val85Ile (NM_001280555.2); short protein forms V151I, V85I, V43I.
Identifiers: ClinVar variation 135000 (VCV000135000.15), dbSNP rs115889954, ClinGen allele CA161365.
Genomic context (GRCh38, chr9:37,006,497, plus strand): 5'-TTAGATTTTTAAATTTTTTTTAAAAGTTCCTCTTACCTATGCTGTGACTGGAAGCTGGGA[C>T]TGGTTGGTTGGGTGGCTGCTGTACTTTTGTCCGGATGATCCTGTGGGCAGTTGAAAAACA-3'
Protein context (NP_057953.1, residues 141-161): TKVQQPPNQP[Val151Ile]PASSHSIVST